The following is an entry in ClinVar:

NM_004385.5(VCAN):c.3959C>T (p.Pro1320Leu)

Gene: VCAN (versican; plus strand). Cytogenetic location: 5q14.3.
Variant type: single nucleotide variant.
Coding change: c.3959C>T on transcript NM_004385.5 (MANE Select); coding-DNA position 3959, C replaced by T.
Protein change: p.Pro1320Leu; replaces proline 1320 with leucine.
Molecular consequence: missense variant. On other transcripts: intron variant (2).
Genome position (GRCh38, 1-based): chr5:83,522,265, C>T. VCF-style: chr5-83522265-C-T. GRCh37 (hg19) VCF-style: chr5-82818084-C-T.
Other names: c.3959C>T, p.Pro1320Leu (NM_001164098.2); c.1042+9869C>T (NM_001164097.2, NM_001126336.3); c.3959C>T (NM_004385.4); short protein forms P1320L.
Identifiers: ClinVar variation 2144901 (VCV002144901.5), dbSNP rs376458723, ClinGen allele CA3333081.
Genomic context (GRCh38, chr5:83,522,265, plus strand): 5'-AGGCCTTTGGACCTCAGGCGCTTTCTACGCCACAGCCCCCAGCAAGCACAAAATTTCACC[C>T]TGACATTAATGTTTATATTATTGAGGTCAGAGAAAATAAGACAGGTAAGTCTTTGCTTTC-3'
Protein context (NP_004376.2, residues 1310-1330): PQPPASTKFH[Pro1320Leu]DINVYIIEVR

ClinVar aggregate classification (germline): Uncertain significance. Review status: criteria provided, multiple submitters, no conflicts (2 of 4 stars). 2 submissions from 2 submitters: Uncertain significance (2). Last evaluated 2026-01-05.

Conditions:
Inborn genetic diseases. Identifiers: MedGen C0950123, MeSH D030342.

Allele frequency attached by ClinVar (database versions not stated): ExAC 0.00002; gnomAD 0.00004; gnomAD exomes 0.00005; TOPMed 0.00005; ESP Exome Variant Server 0.00008.
gnomAD v4.1: 89 of 1,599,498 alleles (0.0056%); highest among the groups gnomAD compares: Non-Finnish European, 0.0067%; no homozygotes.

Submissions (2):

Labcorp Genetics (formerly Invitae), Labcorp
Classification: Uncertain significance. Last evaluated: 2026-01-05. Review status: criteria provided, single submitter. Criteria: Invitae Variant Classification Sherloc (09022015). Collection method: clinical testing. Allele origin: germline.
Comment: This sequence change replaces proline, which is neutral and non-polar, with leucine, which is neutral and non-polar, at codon 1320 of the VCAN protein (p.Pro1320Leu). This variant is present in population databases (rs376458723, gnomAD 0.006%). This variant has not been reported in the literature in individuals affected with VCAN-related conditions. ClinVar contains an entry for this variant (Variation ID: 2144901). An algorithm developed to predict the effect of missense changes on protein structure and function (PolyPhen-2) suggests that this variant is likely to be disruptive. In summary, the available evidence is currently insufficient to determine the role of this variant in disease. Therefore, it has been classified as a Variant of Uncertain Significance.

Ambry Genetics
Classification: Uncertain significance for Inborn genetic diseases. Last evaluated: 2024-04-26. Review status: criteria provided, single submitter. Criteria: Ambry Variant Classification Scheme 2023. Collection method: clinical testing. Allele origin: germline.